The following is an entry in ClinVar:

ClinVar aggregate classification (germline): Uncertain significance (1 of 4 stars; one submission).

Conditions:
Hypomyelination and Congenital Cataract (HLD5). Also called: hypomyelinating leukodystrophy 5. Identifiers: Orphanet 85163, MedGen C1864663, MONDO:0012514, OMIM 610532.

Allele frequency attached by ClinVar (database versions not stated): gnomAD exomes below 0.00001.
gnomAD v4.1: 2 of 1,613,596 alleles (0.00012%); highest among the groups gnomAD compares: African/African-American, 0.0027%; no homozygotes.

Submission:

Labcorp Genetics (formerly Invitae), Labcorp
Classification: Uncertain significance for Hypomyelination and Congenital Cataract. Last evaluated: 2022-02-21. Review status: criteria provided, single submitter. Criteria: Invitae Variant Classification Sherloc (09022015). Collection method: clinical testing. Allele origin: germline.
Comment: In summary, the available evidence is currently insufficient to determine the role of this variant in disease. Therefore, it has been classified as a Variant of Uncertain Significance. Algorithms developed to predict the effect of missense changes on protein structure and function (SIFT, PolyPhen-2, Align-GVGD) all suggest that this variant is likely to be tolerated. This variant has not been reported in the literature in individuals affected with FAM126A-related conditions. This variant is not present in population databases (gnomAD no frequency). This sequence change replaces glycine, which is neutral and non-polar, with aspartic acid, which is acidic and polar, at codon 363 of the FAM126A protein (p.Gly363Asp).

NM_032581.4(HYCC1):c.1088G>A (p.Gly363Asp)

Gene: HYCC1 (hyccin PI4KA lipid kinase complex subunit 1; minus strand). Cytogenetic location: 7p15.3.
Variant type: single nucleotide variant.
Coding change: c.1088G>A on transcript NM_032581.4 (MANE Select); coding-DNA position 1088, G replaced by A.
Protein change: p.Gly363Asp; replaces glycine 363 with aspartic acid.
Molecular consequence: missense variant. On other transcripts: 3 prime UTR variant (2).
Genome position (GRCh38, 1-based): chr7:22,946,067, C>T on the plus strand (G>A on the coding strand, the complement: HYCC1 is on the minus strand). VCF-style: chr7-22946067-C-T. GRCh37 (hg19) VCF-style: chr7-22985686-C-T.
Other names: c.*124G>A (NM_001363466.2); c.*82G>A (NM_001363467.2); short protein forms G363D.
Identifiers: ClinVar variation 2101021 (VCV002101021.4), dbSNP rs1043003486, ClinGen allele CA366970475.